The following is an entry in ClinVar:

NM_006031.6(PCNT):c.6922-5A>G

Gene: PCNT (pericentrin; plus strand). Cytogenetic location: 21q22.3.
Variant type: single nucleotide variant.
Coding change: c.6922-5A>G on transcript NM_006031.6 (MANE Select); 5 bases into the intron before coding-DNA position 6922, A replaced by G.
Molecular consequence: intron variant.
Genome position (GRCh38, 1-based): chr21:46,418,199, A>G. VCF-style: chr21-46418199-A-G. GRCh37 (hg19) VCF-style: chr21-47838113-A-G.
Other names: c.6568-5A>G (NM_001315529.2).
Identifiers: ClinVar variation 2652829 (VCV002652829.24), dbSNP rs1222037138, ClinGen allele CA2695200057.

ClinVar aggregate classification (germline): Uncertain significance (1 of 4 stars; one submission).

Submission:

CeGaT Center for Human Genetics Tuebingen
Classification: Uncertain significance. Last evaluated: 2022-07-01. Review status: criteria provided, single submitter. Criteria: CeGaT Center For Human Genetics Tuebingen Variant Classification Criteria Version 2. Collection method: clinical testing. Allele origin: germline. Affected: yes. Observed: 1 variant allele.
Comment: PCNT: PM2, BP4